The following is an entry in ClinVar:

NM_006306.4(SMC1A):c.286C>T (p.Arg96Cys)

Gene: SMC1A (structural maintenance of chromosomes 1A; minus strand). Cytogenetic location: Xp11.22.
Variant type: single nucleotide variant.
Coding change: c.286C>T on transcript NM_006306.4 (MANE Select); coding-DNA position 286, C replaced by T.
Protein change: p.Arg96Cys; replaces arginine 96 with cysteine.
Molecular consequence: missense variant.
Genome position (GRCh38, 1-based): chrX:53,414,993, G>A on the plus strand (C>T on the coding strand, the complement: SMC1A is on the minus strand). VCF-style: chrX-53414993-G-A. GRCh37 (hg19) VCF-style: chrX-53441942-G-A.
Other names: c.220C>T, p.Arg74Cys (NM_001281463.1); short protein forms R74C, R96C.
Identifiers: ClinVar variation 1419270 (VCV001419270.8), dbSNP rs2146606642, ClinGen allele CA413132054.

ClinVar aggregate classification (germline): Pathogenic (1 of 4 stars; one submission).

Conditions:
Congenital muscular hypertrophy-cerebral syndrome (CDLS2). Also called: Cornelia de Lange syndrome 2; SMC1A-Related Cornelia de Lange Syndrome. Identifiers: Orphanet 199, MedGen C1802395, MONDO:0010370, OMIM 300590.

Submission:

Labcorp Genetics (formerly Invitae), Labcorp
Classification: Pathogenic for Congenital muscular hypertrophy-cerebral syndrome. Last evaluated: 2024-09-23. Review status: criteria provided, single submitter. Criteria: Invitae Variant Classification Sherloc (09022015). Collection method: clinical testing. Allele origin: germline.
Comment: This sequence change replaces arginine, which is basic and polar, with cysteine, which is neutral and slightly polar, at codon 96 of the SMC1A protein (p.Arg96Cys). This variant is not present in population databases (gnomAD no frequency). This missense change has been observed in individual(s) with clinical features of SMC1A-related conditions (internal data). In at least one individual the variant was observed to be de novo. ClinVar contains an entry for this variant (Variation ID: 1419270). Invitae Evidence Modeling of protein sequence and biophysical properties (such as structural, functional, and spatial information, amino acid conservation, physicochemical variation, residue mobility, and thermodynamic stability) indicates that this missense variant is expected to disrupt SMC1A protein function with a positive predictive value of 80%. For these reasons, this variant has been classified as Pathogenic.